The following is an entry in ClinVar:

NM_002474.3(MYH11):c.608A>G (p.Lys203Arg)

Gene: MYH11 (myosin heavy chain 11; minus strand). Cytogenetic location: 16p13.11.
Variant type: single nucleotide variant.
Coding change: c.608A>G on transcript NM_002474.3 (MANE Select); coding-DNA position 608, A replaced by G.
Protein change: p.Lys203Arg; replaces lysine 203 with arginine.
Molecular consequence: missense variant.
Genome position (GRCh38, 1-based): chr16:15,786,655, T>C on the plus strand (A>G on the coding strand, the complement: MYH11 is on the minus strand). VCF-style: chr16-15786655-T-C. GRCh37 (hg19) VCF-style: chr16-15880512-T-C.
Other names: c.608A>G, p.Lys203Arg (NM_001040113.2, NM_001040114.2, NM_022844.3); short protein forms K203R.
Identifiers: ClinVar variation 3253466 (VCV003253466.1), dbSNP rs1369989221.
Genomic context (GRCh38, chr16:15,786,655, plus strand): 5'-TAAATCATGGCCTCTGATTGGGAACTGCCACTCACCGTGATACTTGTGTCTTTCTTGCCC[T>C]TGTGGGAGGAGGCCACCACGGCCAGGTACTGAATGACCTTCTTGGTGTTTTCGGTTTTCC-3'
Protein context (NP_002465.1, residues 193-213): QYLAVVASSH[Lys203Arg]GKKDTSITGE

ClinVar aggregate classification (germline): Uncertain significance (1 of 4 stars; one submission).

Allele frequency attached by ClinVar (database versions not stated): gnomAD exomes below 0.00001.
gnomAD v4.1: 2 of 1,614,164 alleles (0.00012%); highest among the groups gnomAD compares: Admixed American, 0.0033%; no homozygotes.

Submission:

GeneDx
Classification: Uncertain significance. Last evaluated: 2023-04-10. Review status: criteria provided, single submitter. Criteria: GeneDx Variant Classification Process June 2021. Collection method: clinical testing. Allele origin: germline. Affected: yes.
Comment: Not observed at significant frequency in large population cohorts (gnomAD); In silico analysis supports that this missense variant does not alter protein structure/function; Has not been previously published as pathogenic or benign to our knowledge